The following is an entry in ClinVar:

NM_002471.4(MYH6):c.3858T>C (p.Asn1286=)

Gene: MYH6 (myosin heavy chain 6; minus strand). Cytogenetic location: 14q11.2.
Variant type: single nucleotide variant.
Coding change: c.3858T>C on transcript NM_002471.4 (MANE Select); coding-DNA position 3858, T replaced by C.
Protein change: p.Asn1286=; no amino-acid change (asparagine 1286 retained).
Molecular consequence: synonymous variant.
Genome position (GRCh38, 1-based): chr14:23,389,594, A>G on the plus strand (T>C on the coding strand, the complement: MYH6 is on the minus strand). VCF-style: chr14-23389594-A-G. GRCh37 (hg19) VCF-style: chr14-23858803-A-G.
Identifiers: ClinVar variation 1046883 (VCV001046883.9), dbSNP rs774702449, ClinGen allele CA485764752.

ClinVar aggregate classification (germline): Uncertain significance (1 of 4 stars; one submission).

Conditions:
Hypertrophic cardiomyopathy 14. Identifiers: MedGen C2750467, MONDO:0013197, OMIM 613251.

gnomAD v4.1: 3 of 1,614,122 alleles (0.00019%); highest among the groups gnomAD compares: Non-Finnish European, 0.00025%; no homozygotes.

Submission:

Labcorp Genetics (formerly Invitae), Labcorp
Classification: Uncertain significance for Hypertrophic cardiomyopathy 14. Last evaluated: 2020-04-09. Review status: criteria provided, single submitter. Criteria: Invitae Variant Classification Sherloc (09022015). Collection method: clinical testing. Allele origin: germline.
Comment: In summary, the available evidence is currently insufficient to determine the role of this variant in disease. Therefore, it has been classified as a Variant of Uncertain Significance. Algorithms developed to predict the effect of sequence changes on RNA splicing suggest that this variant is not likely to affect RNA splicing, but this prediction has not been confirmed by published transcriptional studies. This variant has not been reported in the literature in individuals with MYH6-related conditions. This variant is not present in population databases (ExAC no frequency). This sequence change affects codon 1286 of the MYH6 mRNA. It is a 'silent' change, meaning that it does not change the encoded amino acid sequence of the MYH6 protein.